The following is an entry in ClinVar:

ClinVar aggregate classification (germline): Pathogenic. Review status: criteria provided, multiple submitters, no conflicts (2 of 4 stars). 2 submissions from 2 submitters: Pathogenic (2). Last evaluated 2026-01-07.

Conditions:
Hereditary diffuse gastric adenocarcinoma (HDGC). Also called: DIFFUSE GASTRIC AND LOBULAR BREAST CANCER SYNDROME. Identifiers: Orphanet 26106, MedGen C1708349, MONDO:0007648, OMIM 137215.
Hereditary cancer-predisposing syndrome. Also called: Tumor predisposition; Hereditary neoplastic syndrome; Neoplastic Syndromes, Hereditary; Hereditary Cancer Syndrome. Identifiers: Orphanet 140162, MedGen C0027672, MeSH D009386, MONDO:0015356.

Submissions (2):

Labcorp Genetics (formerly Invitae), Labcorp
Classification: Pathogenic for Hereditary diffuse gastric adenocarcinoma. Last evaluated: 2026-01-07. Review status: criteria provided, single submitter. Criteria: Invitae Variant Classification Sherloc (09022015). Collection method: clinical testing. Allele origin: germline.
Comment: This sequence change creates a premature translational stop signal (p.Asn458Metfs*23) in the CDH1 gene. It is expected to result in an absent or disrupted protein product. Loss-of-function variants in CDH1 are known to be pathogenic (PMID: 15235021, 20373070). This variant is not present in population databases (gnomAD no frequency). This variant has not been reported in the literature in individuals affected with CDH1-related conditions. ClinVar contains an entry for this variant (Variation ID: 941040). For these reasons, this variant has been classified as Pathogenic.

Ambry Genetics
Classification: Pathogenic for Hereditary cancer-predisposing syndrome. Last evaluated: 2021-02-24. Review status: criteria provided, single submitter. Criteria: Ambry Variant Classification Scheme 2023. Collection method: clinical testing. Allele origin: germline.
Comment: The c.1373delA pathogenic mutation, located in coding exon 10 of the CDH1 gene, results from a deletion of one nucleotide at nucleotide position 1373, causing a translational frameshift with a predicted alternate stop codon (p.N458Mfs*23). This alteration is expected to result in loss of function by premature protein truncation or nonsense-mediated mRNA decay. As such, this alteration is interpreted as a disease-causing mutation.

Literature cited by the submitters: PubMed 15235021 (cited by Labcorp Genetics (formerly Invitae), Labcorp); PubMed 20373070 (cited by Labcorp Genetics (formerly Invitae), Labcorp).

NM_004360.5(CDH1):c.1373del (p.Asn458fs)

Gene: CDH1 (cadherin 1; plus strand). Cytogenetic location: 16q22.1.
Variant type: Deletion.
Coding change: c.1373del on transcript NM_004360.5 (MANE Select); coding-DNA position 1373, one base deleted (A; older notation c.1373delA).
Protein change: p.Asn458fs; shifts the reading frame from asparagine 458.
Molecular consequence: frameshift variant. On other transcripts: 5 prime UTR variant (2).
Genome position (GRCh38, 1-based): chr16:68,815,567, A deleted; the last of 2 consecutive A bases (chr16:68,815,566-68,815,567); deleting either gives the same sequence. VCF-style (leftmost placement, unchanged base first): chr16-68815565-GA-G. GRCh37 (hg19) VCF-style: chr16-68849468-GA-G.
Other names: c.1190del, p.Asn397fs (NM_001317184.2); c.-176del (NM_001317185.2); c.-447del (NM_001317186.2); c.1373delA (NM_004360.3); short protein forms N397fs, N458fs.
Identifiers: ClinVar variation 941040 (VCV000941040.10), dbSNP rs1960960044, ClinGen allele CA1139664760.